The following is an entry in ClinVar:

ClinVar aggregate classification (germline): Likely benign (1 of 4 stars; one submission).

gnomAD v4.1: 18 of 1,613,312 alleles (0.0011%); highest among the groups gnomAD compares: Non-Finnish European, 0.0015%; no homozygotes.

Submission:

Athena Diagnostics
Classification: Likely benign. Last evaluated: 2025-01-16. Review status: criteria provided, single submitter. Criteria: Athena Diagnostics Criteria. Collection method: clinical testing. Allele origin: unknown.
Comment: The frequency of this variant in the general population is higher than would generally be expected for pathogenic variants in this gene. Computational tools yielded predictions that this variant is unlikely to have an effect on normal RNA splicing.

NM_001961.4(EEF2):c.2340C>T (p.Pro780=)

Gene: EEF2 (eukaryotic translation elongation factor 2; minus strand). Cytogenetic location: 19p13.3.
Variant type: single nucleotide variant.
Coding change: c.2340C>T on transcript NM_001961.4 (MANE Select); coding-DNA position 2340, C replaced by T.
Protein change: p.Pro780=; no amino-acid change (proline 780 retained).
Molecular consequence: synonymous variant.
Genome position (GRCh38, 1-based): chr19:3,977,258, G>A on the plus strand (C>T on the coding strand, the complement: EEF2 is on the minus strand). VCF-style: chr19-3977258-G-A. GRCh37 (hg19) VCF-style: chr19-3977256-G-A.
Identifiers: ClinVar variation 4682440 (VCV004682440.1).